The following is an entry in ClinVar:

ClinVar aggregate classification (germline): Uncertain significance (1 of 4 stars; one submission).

Conditions:
Primary ciliary dyskinesia. Also called: Ciliary dyskinesia. Identifiers: Orphanet 244, MedGen C0008780, MONDO:0016575, HP:0012265.

Allele frequency attached by ClinVar (database versions not stated): gnomAD 0.00001.

Submission:

Ambry Genetics
Classification: Uncertain significance for Primary ciliary dyskinesia. Last evaluated: 2019-08-29. Review status: criteria provided, single submitter. Criteria: Ambry Variant Classification Scheme 2023. Collection method: clinical testing. Allele origin: germline.
Comment: The p.D2109Y variant (also known as c.6325G>T), located in coding exon 38 of the DNAH11 gene, results from a G to T substitution at nucleotide position 6325. The aspartic acid at codon 2109 is replaced by tyrosine, an amino acid with highly dissimilar properties. This amino acid position is highly conserved in available vertebrate species. In addition, this alteration is predicted to be deleterious by in silico analysis. Since supporting evidence is limited at this time, the clinical significance of this alteration remains unclear.

NM_001277115.2(DNAH11):c.6325G>T (p.Asp2109Tyr)

Gene: DNAH11 (dynein axonemal heavy chain 11; plus strand). Cytogenetic location: 7p15.3.
Variant type: single nucleotide variant.
Coding change: c.6325G>T on transcript NM_001277115.2 (MANE Select); coding-DNA position 6325, G replaced by T.
Protein change: p.Asp2109Tyr; replaces aspartic acid 2109 with tyrosine.
Molecular consequence: missense variant.
Genome position (GRCh38, 1-based): chr7:21,704,485, G>T. VCF-style: chr7-21704485-G-T. GRCh37 (hg19) VCF-style: chr7-21744103-G-T.
Other names: c.6346G>T, p.Asp2116Tyr (NM_003777.3); short protein forms D2109Y, D2116Y.
Identifiers: ClinVar variation 1752868 (VCV001752868.2), dbSNP rs760217754, ClinGen allele CA366936974.